The following is an entry in ClinVar:

NM_138295.5(PKD1L1):c.5846G>C (p.Ser1949Thr)

Gene: PKD1L1 (polycystin 1 like 1, transient receptor potential channel interacting; minus strand). Cytogenetic location: 7p12.3.
Variant type: single nucleotide variant.
Coding change: c.5846G>C on transcript NM_138295.5 (MANE Select); coding-DNA position 5846, G replaced by C.
Protein change: p.Ser1949Thr; replaces serine 1949 with threonine.
Molecular consequence: missense variant.
Genome position (GRCh38, 1-based): chr7:47,837,018, C>G on the plus strand (G>C on the coding strand, the complement: PKD1L1 is on the minus strand). VCF-style: chr7-47837018-C-G. GRCh37 (hg19) VCF-style: chr7-47876616-C-G.
Other names: short protein forms S1949T.
Identifiers: ClinVar variation 1704978 (VCV001704978.6), dbSNP rs139547392, ClinGen allele CA4252703.

ClinVar aggregate classification (germline): Uncertain significance. Review status: criteria provided, multiple submitters, no conflicts (2 of 4 stars). 3 submissions from 3 submitters: Uncertain significance (3). Last evaluated 2025-11-14.

Conditions:
PKD1L1-related disorder. Also called: PKD1L1-related condition.
Inborn genetic diseases. Identifiers: MedGen C0950123, MeSH D030342.

Allele frequency attached by ClinVar (database versions not stated): gnomAD exomes 0.00002; ExAC 0.00008; TOPMed 0.00021; gnomAD 0.00023; ESP Exome Variant Server 0.00031.
gnomAD v4.1: 68 of 1,613,978 alleles (0.0042%); highest among the groups gnomAD compares: African/African-American, 0.08%; no homozygotes.

Submissions (3):

PreventionGenetics, part of Exact Sciences
Classification: Uncertain significance for PKD1L1-related condition. Last evaluated: 2025-11-14. Review status: criteria provided, single submitter. Criteria: ACMG Guidelines, 2015. Collection method: clinical testing. Allele origin: germline.
Comment: The PKD1L1 c.5846G>C variant is predicted to result in the amino acid substitution p.Ser1949Thr. To our knowledge, this variant has not been reported in the literature. This variant is reported in 0.088% of alleles in individuals of African descent in gnomAD, which is more common than expected for an undocumented cause of disease. Although we suspect this variant may be benign, at this time, the clinical significance is uncertain due to the absence of conclusive functional and genetic evidence.

Ambry Genetics
Classification: Uncertain significance for Inborn genetic diseases. Last evaluated: 2024-08-05. Review status: criteria provided, single submitter. Criteria: Ambry Variant Classification Scheme 2023. Collection method: clinical testing. Allele origin: germline.

GeneDx
Classification: Uncertain significance. Last evaluated: 2024-03-04. Review status: criteria provided, single submitter. Criteria: GeneDx Variant Classification Process June 2021. Collection method: clinical testing. Allele origin: germline. Affected: yes.
Comment: Has not been previously published as pathogenic or benign to our knowledge; In silico analysis supports that this missense variant does not alter protein structure/function